The following is an entry in ClinVar:

NM_001166108.2(PALLD):c.1307C>T (p.Thr436Ile)

Gene: PALLD (palladin, cytoskeletal associated protein; plus strand). Cytogenetic location: 4q32.3.
Variant type: single nucleotide variant.
Coding change: c.1307C>T on transcript NM_001166108.2 (MANE Select); coding-DNA position 1307, C replaced by T.
Protein change: p.Thr436Ile; replaces threonine 436 with isoleucine.
Molecular consequence: missense variant.
Genome position (GRCh38, 1-based): chr4:168,685,531, C>T. VCF-style: chr4-168685531-C-T. GRCh37 (hg19) VCF-style: chr4-169606682-C-T.
Other names: c.161C>T, p.Thr54Ile (NM_001166109.2); c.1307C>T, p.Thr436Ile (NM_016081.4); short protein forms T436I, T54I.
Identifiers: ClinVar variation 1769545 (VCV001769545.2), dbSNP rs2531610168, ClinGen allele CA358794469.

ClinVar aggregate classification (germline): Uncertain significance (1 of 4 stars; one submission).

Allele frequency attached by ClinVar (database versions not stated): gnomAD exomes below 0.00001.
gnomAD v4.1: 1 of 1,612,344 alleles (0.000062%); no homozygotes.

Submission:

Ambry Genetics
Classification: Uncertain significance. Last evaluated: 2022-08-22. Review status: criteria provided, single submitter. Criteria: Ambry Variant Classification Scheme 2023. Collection method: clinical testing. Allele origin: germline.
Comment: The p.T436I variant (also known as c.1307C>T), located in coding exon 5 of the PALLD gene, results from a C to T substitution at nucleotide position 1307. The threonine at codon 436 is replaced by isoleucine, an amino acid with similar properties. This amino acid position is conserved. In addition, this alteration is predicted to be tolerated by in silico analysis. Since supporting evidence is limited at this time, the clinical significance of this alteration remains unclear.